The following is an entry in ClinVar:

ClinVar aggregate classification (germline): Uncertain significance (1 of 4 stars; one submission).

Conditions:
Inborn genetic diseases. Identifiers: MedGen C0950123, MeSH D030342.

Allele frequency attached by ClinVar (database versions not stated): gnomAD exomes below 0.00001; TOPMed below 0.00001.
gnomAD v4.1: 4 of 1,603,784 alleles (0.00025%); highest among the groups gnomAD compares: Non-Finnish European, 0.00017%; no homozygotes.

Submission:

Ambry Genetics
Classification: Uncertain significance for Inborn genetic diseases. Last evaluated: 2019-11-15. Review status: criteria provided, single submitter. Criteria: Ambry Variant Classification Scheme 2023. Collection method: clinical testing. Allele origin: germline.
Comment: The p.T1959A variant (also known as c.5875A>G), located in coding exon 19 of the WNK1 gene, results from an A to G substitution at nucleotide position 5875. The threonine at codon 1959 is replaced by alanine, an amino acid with similar properties. This amino acid position is well conserved in available vertebrate species. In addition, this alteration is predicted to be tolerated by in silico analysis. Since supporting evidence is limited at this time, the clinical significance of this alteration remains unclear.

NM_018979.4(WNK1):c.5119A>G (p.Thr1707Ala)

Gene: WNK1 (WNK lysine deficient protein kinase 1; plus strand). Cytogenetic location: 12p13.33.
Variant type: single nucleotide variant.
Coding change: c.5119A>G on transcript NM_018979.4 (MANE Select); coding-DNA position 5119, A replaced by G.
Protein change: p.Thr1707Ala; replaces threonine 1707 with alanine.
Molecular consequence: missense variant.
Genome position (GRCh38, 1-based): chr12:885,923, A>G. VCF-style: chr12-885923-A-G. GRCh37 (hg19) VCF-style: chr12-995089-A-G.
Other names: c.5899A>G, p.Thr1967Ala (NM_001184985.2); c.4378A>G, p.Thr1460Ala (NM_014823.3); c.5875A>G, p.Thr1959Ala (NM_213655.5); short protein forms T1707A, T1959A, T1460A, T1967A.
Identifiers: ClinVar variation 1750215 (VCV001750215.2), dbSNP rs1953602352, ClinGen allele CA383332635.